The following is an entry in ClinVar:

NM_001258392.3(CLPB):c.223G>A (p.Gly75Arg)

Genes: CLPB (ClpB family mitochondrial disaggregase; minus strand), LOC130006336 (ATAC-STARR-seq lymphoblastoid active region 5191; plus strand). Cytogenetic location: 11q13.4.
Variant type: single nucleotide variant.
Coding change: c.223G>A on transcript NM_001258392.3 (MANE Select); coding-DNA position 223, G replaced by A.
Protein change: p.Gly75Arg; replaces glycine 75 with arginine.
Molecular consequence: missense variant. On other transcripts: 5 prime UTR variant (1).
Genome position (GRCh38, 1-based): chr11:72,434,252, C>T on the plus strand (G>A on the coding strand, the complement: CLPB is on the minus strand). VCF-style: chr11-72434252-C-T. GRCh37 (hg19) VCF-style: chr11-72145296-C-T.
Other names: c.223G>A, p.Gly75Arg (NM_001258393.3, NM_030813.6); c.-20G>A (NM_001258394.3); short protein forms G75R.
Identifiers: ClinVar variation 3696672 (VCV003696672.2).

ClinVar aggregate classification (germline): Uncertain significance (1 of 4 stars; one submission).

Conditions:
3-methylglutaconic aciduria, type VIIB (MGCA7B). Also called: 3-methylglutaconic aciduria, type VII, with cataracts, neurologic involvement and neutropenia; CLPB Deficiency; 3-methylglutaconic aciduria with cataracts, neurologic involvement and neutropenia. Identifiers: Orphanet 445038, MedGen C5676893, MONDO:0014561, OMIM 616271.

gnomAD v4.1: 14 of 1,613,408 alleles (0.00087%); highest among the groups gnomAD compares: Non-Finnish European, 0.0012%; no homozygotes.

Submission:

Labcorp Genetics (formerly Invitae), Labcorp
Classification: Uncertain significance for 3-methylglutaconic aciduria, type VIIB. Last evaluated: 2025-07-06. Review status: criteria provided, single submitter. Criteria: Invitae Variant Classification Sherloc (09022015). Collection method: clinical testing. Allele origin: germline.
Comment: This sequence change replaces glycine, which is neutral and non-polar, with arginine, which is basic and polar, at codon 75 of the CLPB protein (p.Gly75Arg). This variant is not present in population databases (gnomAD no frequency). This variant has not been reported in the literature in individuals affected with CLPB-related conditions. ClinVar contains an entry for this variant (Variation ID: 3696672). An algorithm developed to predict the effect of missense changes on protein structure and function outputs the following: PolyPhen-2: "Benign". The arginine amino acid residue is found in multiple mammalian species, which suggests that this missense change does not adversely affect protein function. In summary, the available evidence is currently insufficient to determine the role of this variant in disease. Therefore, it has been classified as a Variant of Uncertain Significance.